The following is an entry in ClinVar:

ClinVar aggregate classification (germline): Conflicting classifications of pathogenicity. Review status: criteria provided, conflicting classifications (1 of 4 stars). 5 submissions from 5 submitters: Likely pathogenic (2); Uncertain significance (2). 1 of the submissions does not count toward it. Last evaluated 2025-01-27.

Conditions:
Cardiomyopathy, dilated, with wooly hair, keratoderma, and tooth agenesis. Also called: Cardiomyopathy, dilated, with woolly hair, keratoderma, and tooth agenesis; Erythrokeratodermia-cardiomyopathy syndrome. Identifiers: Orphanet 476096, Orphanet 65282, MedGen C4014393, MONDO:0014355, OMIM 615821.
Keratosis palmoplantaris striata 2. Also called: KERATODERMA, PALMOPLANTAR, STRIATE FORM II; STRIATE PALMOPLANTAR KERATODERMA II; Keratosis palmoplantaris striata II. Identifiers: MedGen C1852127, MONDO:0013034, OMIM 612908.
Lethal acantholytic epidermolysis bullosa (EBLA). Identifiers: Orphanet 158687, MedGen C1864826, MONDO:0012323, OMIM 609638.
Arrhythmogenic right ventricular dysplasia 8 (ARVD8). Also called: ARRHYTHMOGENIC RIGHT VENTRICULAR DYSPLASIA, FAMILIAL, 8; ARRHYTHMOGENIC RIGHT VENTRICULAR CARDIOMYOPATHY 8; Arrhythmogenic Right Ventricular Dysplasia/Cardiomyopathy 8. Identifiers: MedGen C1843896, MONDO:0011831, OMIM 607450.
Arrhythmogenic cardiomyopathy with wooly hair and keratoderma. Also called: Carvajal syndrome; PALMOPLANTAR KERATODERMA WITH LEFT VENTRICULAR CARDIOMYOPATHY AND WOOLLY HAIR; Dilated cardiomyopathy with woolly hair and keratoderma; Arrhythmogenic cardiomyopathy with woolly hair and keratoderma. Identifiers: Orphanet 65282, MedGen C1854063, MONDO:0011581, OMIM 605676.
Arrhythmogenic right ventricular cardiomyopathy (ARVD). Also called: Arrhythmogenic Right Ventricular Cardiomyopathy (ARVC); Arrhythmogenic right ventricular dysplasia; Arrhythmogenic cardiomyopathy; Cardiomyopathy, ARVC. Identifiers: Orphanet 247, MedGen C0349788, MeSH D019571, MONDO:0016587. Disease mechanism: loss of function. Inheritance: Various modes of inheritance.
Cardiomyopathy (CMYO). Also called: Cardiomyopathies. Identifiers: Orphanet 167848, MedGen C0878544, MONDO:0004994, HP:0001638. Inheritance: Various modes of inheritance.

gnomAD v4.1: 2 of 1,607,646 alleles (0.00012%); highest among the groups gnomAD compares: South Asian, 0.0011%; no homozygotes.

Submissions (5):

Color Diagnostics, LLC DBA Color Health
Classification: Uncertain significance for Cardiomyopathy. Last evaluated: 2025-01-27. Review status: criteria provided, single submitter. Criteria: ACMG Guidelines, 2015. Collection method: clinical testing. Allele origin: germline.
Comment: This missense variant replaces arginine with histidine at codon 2834 of the DSP protein. Computational prediction is inconclusive regarding the impact of this variant on protein structure and function. .A functional study has determined p.Arg2834 to be a methylation site (PMID: 25733715). This p.Arg2834His variant has been shown to block the GSK3 phosphorylation cascade and result in aberrant intermediate filament localization in both cultured keratinocytes (PMID: 25733715) and in the hearts of transgenic mice with cardiac-restricted over-expression of this variant (PMID: 16917092, 26545710). Additionally, the transgenic mice develop increased cardiomyocyte apoptosis, myocardial fibrosis, lipid accumulation, as well as ventricular enlargement and cardiac dysfunction (PMID: 16917092, 26545710). This variant has been reported in an individual affected with arrhythmogenic right ventricular cardiomyopathy (PMID: 16917092). This variant has not been identified in the general population by the Genome Aggregation Database (gnomAD). In summary, a few functional studies have indicated that this variant may play a role in disease. However, the available clinical evidence is insufficient to determine the role of this variant in disease conclusively. Therefore, this variant is classified as a Variant of Uncertain Significance.

Labcorp Genetics (formerly Invitae), Labcorp
Classification: Uncertain significance for Arrhythmogenic cardiomyopathy with wooly hair and keratoderma; Arrhythmogenic right ventricular dysplasia 8. Last evaluated: 2024-12-05. Review status: criteria provided, single submitter. Criteria: Invitae Variant Classification Sherloc (09022015). Collection method: clinical testing. Allele origin: germline.
Comment: This sequence change replaces arginine, which is basic and polar, with histidine, which is basic and polar, at codon 2834 of the DSP protein (p.Arg2834His). This variant is not present in population databases (gnomAD no frequency). This missense change has been observed in individual(s) with arrhythmogenic right ventricular cardiomyopathy (PMID: 16917092). ClinVar contains an entry for this variant (Variation ID: 16847). An algorithm developed to predict the effect of missense changes on protein structure and function (PolyPhen-2) suggests that this variant is likely to be disruptive. Experimental studies have shown that this missense change affects DSP function (PMID: 25733715, 26545710). In summary, the available evidence is currently insufficient to determine the role of this variant in disease. Therefore, it has been classified as a Variant of Uncertain Significance.

Department of Pathology and Laboratory Medicine, Sinai Health System
Classification: Likely pathogenic for Keratosis palmoplantaris striata 2; Arrhythmogenic cardiomyopathy with wooly hair and keratoderma; Lethal acantholytic epidermolysis bullosa; Arrhythmogenic right ventricular dysplasia 8; Cardiomyopathy, dilated, with wooly hair, keratoderma, and tooth agenesis. Last evaluated: 2023-11-03. Review status: criteria provided, single submitter. Criteria: ACMG Guidelines, 2015. Collection method: research. Allele origin: germline.

Laboratory for Molecular Medicine, Mass General Brigham Personalized Medicine
Classification: Likely pathogenic for Arrhythmogenic right ventricular cardiomyopathy. Last evaluated: 2019-03-21. Review status: criteria provided, single submitter. Criteria: ACMG Guidelines, 2015. Collection method: clinical testing. Allele origin: germline. Inheritance: Autosomal dominant inheritance.
Comment: The p.Arg2834His variant in DSP has been reported in 1 individual with ARVC (Yang 2006). It was absent from large population studies. In vivo and in vitro functional studies, including a transgenic mouse model, demonstrate that the presence of this variant results in cardiomyocyte apoptosis, cardiac fibrosis, and cardiac dysfunction, which is consistent with ARVC (Yang 2006, Albrecht 2015, Martherus 2016). Computational prediction tools and conservation analysis are consistent with pathogenicity. In summary, although additional studies are required to fully establish its clinical significance, this variant meets criteria to be classified as likely pathogenic for autosomal dominant ARVC. ACMG/AMP Criteria applied: PS3, PM2, PP3.

OMIM
Classification: Pathogenic for ARRHYTHMOGENIC RIGHT VENTRICULAR DYSPLASIA, FAMILIAL, 8. Last evaluated: 2006-09-15. Review status: no assertion criteria provided. Collection method: literature only. Allele origin: germline. Not counted in ClinVar's aggregate classification.

Literature cited by the submitters: PubMed 16917092 (cited by 4 submitters); PubMed 25733715 (cited by 3 submitters); PubMed 26545710 (cited by 3 submitters).

NM_004415.4(DSP):c.8501G>A (p.Arg2834His)

Gene: DSP (desmoplakin; plus strand). Cytogenetic location: 6p24.3.
Variant type: single nucleotide variant.
Coding change: c.8501G>A on transcript NM_004415.4 (MANE Select); coding-DNA position 8501, G replaced by A.
Protein change: p.Arg2834His; replaces arginine 2834 with histidine.
Molecular consequence: missense variant.
Genome position (GRCh38, 1-based): chr6:7,585,763, G>A. VCF-style: chr6-7585763-G-A. GRCh37 (hg19) VCF-style: chr6-7585996-G-A.
Other names: c.8501G>A, p.Arg2834His (LRG_423t1); c.6704G>A, p.Arg2235His (NM_001008844.3); c.7172G>A, p.Arg2391His (NM_001319034.2); short protein forms R2834H, R2235H, R2391H.
Identifiers: ClinVar variation 16847 (VCV000016847.7), dbSNP rs121912999, ClinGen allele CA007679.